The following is an entry in ClinVar:

ClinVar aggregate classification (germline): Likely benign (1 of 4 stars; one submission).

Allele frequency attached by ClinVar (database versions not stated): ExAC 0.00002; gnomAD 0.00003; gnomAD exomes 0.00004; TOPMed 0.00006; ESP Exome Variant Server 0.00008.
gnomAD v4.1: 64 of 1,613,448 alleles (0.004%); highest among the groups gnomAD compares: Non-Finnish European, 0.005%; no homozygotes.

Submission:

CeGaT Center for Human Genetics Tuebingen
Classification: Likely benign. Last evaluated: 2023-09-01. Review status: criteria provided, single submitter. Criteria: CeGaT Center For Human Genetics Tuebingen Variant Classification Criteria Version 2. Collection method: clinical testing. Allele origin: germline. Affected: yes. Observed: 1 variant allele.
Comment: FBLN1: BP4

NM_006486.3(FBLN1):c.1698-11349G>A

Gene: FBLN1 (fibulin 1; plus strand). Cytogenetic location: 22q13.31.
Variant type: single nucleotide variant.
Coding change: c.1698-11349G>A on transcript NM_006486.3 (MANE Select); 11349 bases into the intron before coding-DNA position 1698, G replaced by A.
Molecular consequence: intron variant. On other transcripts: missense variant (1).
Genome position (GRCh38, 1-based): chr22:45,563,162, G>A. VCF-style: chr22-45563162-G-A. GRCh37 (hg19) VCF-style: chr22-45959042-G-A.
Other names: c.1948G>A, p.Glu650Lys (NM_001996.4); c.1698-1722G>A (NM_006485.4); short protein forms E650K.
Identifiers: ClinVar variation 2653292 (VCV002653292.24), dbSNP rs376936876, ClinGen allele CA10287114.